The following is an entry in ClinVar:

ClinVar aggregate classification (germline): Benign (1 of 4 stars; one submission).

Allele frequency attached by ClinVar (database versions not stated): gnomAD 0.18848 and 0.19195; TOPMed 0.20018; 1000 Genomes Project 0.24341; 1000 Genomes Project 30x 0.24875.
gnomAD v4.1: 28,566 of 152,108 alleles (19%); highest among the groups gnomAD compares: African/African-American, 40%; 4,138 homozygotes.

Submission:

GeneDx
Classification: Benign. Last evaluated: 2018-06-14. Review status: criteria provided, single submitter. Criteria: GeneDx Variant Classification (06012015). Collection method: clinical testing. Allele origin: germline. Affected: yes.
Comment: This variant is considered likely benign or benign based on one or more of the following criteria: it is a conservative change, it occurs at a poorly conserved position in the protein, it is predicted to be benign by multiple in silico algorithms, and/or has population frequency not consistent with disease.

NM_018122.5(DARS2):c.771-171C>T

Gene: DARS2 (aspartyl-tRNA synthetase 2, mitochondrial; plus strand). Cytogenetic location: 1q25.1.
Variant type: single nucleotide variant.
Coding change: c.771-171C>T on transcript NM_018122.5 (MANE Select); 171 bases into the intron before coding-DNA position 771, C replaced by T.
Molecular consequence: intron variant.
Genome position (GRCh38, 1-based): chr1:173,838,019, C>T. VCF-style: chr1-173838019-C-T. GRCh37 (hg19) VCF-style: chr1-173807157-C-T.
Other names: c.771-171C>T (NM_001365212.1, NM_001365213.2).
Identifiers: ClinVar variation 683703 (VCV000683703.1), dbSNP rs3791021, ClinGen allele CA10851028.